The following is an entry in ClinVar:

ClinVar aggregate classification (germline): Uncertain significance. Review status: criteria provided, multiple submitters, no conflicts (2 of 4 stars). 3 submissions from 3 submitters: Uncertain significance (3). Last evaluated 2025-10-11.

Conditions:
Inborn genetic diseases. Identifiers: MedGen C0950123, MeSH D030342.
Nemaline myopathy 2 (NEM2). Also called: Nemaline myopathy 2, autosomal recessive. Identifiers: MedGen C1850569, MONDO:0009725, OMIM 256030.

Allele frequency attached by ClinVar (database versions not stated): gnomAD exomes 0.00002 and 0.00001; gnomAD 0.00002.
gnomAD v4.1: 37 of 1,535,380 alleles (0.0024%); highest among the groups gnomAD compares: Non-Finnish European, 0.0031%; no homozygotes.

Submissions (3):

Mayo Clinic Laboratories, Mayo Clinic
Classification: Uncertain significance. Last evaluated: 2025-10-11. Review status: criteria provided, single submitter. Criteria: ACMG Guidelines, 2015. Collection method: clinical testing. Allele origin: germline. Observed: 1 variant allele.
Comment: BP4_moderate

Ambry Genetics
Classification: Uncertain significance for Inborn genetic diseases. Last evaluated: 2025-08-28. Review status: criteria provided, single submitter. Criteria: Ambry Variant Classification Scheme 2023. Collection method: clinical testing. Allele origin: germline.

Labcorp Genetics (formerly Invitae), Labcorp
Classification: Uncertain significance for Nemaline myopathy 2. Last evaluated: 2022-11-01. Review status: criteria provided, single submitter. Criteria: Invitae Variant Classification Sherloc (09022015). Collection method: clinical testing. Allele origin: germline.
Comment: This sequence change replaces glutamic acid, which is acidic and polar, with aspartic acid, which is acidic and polar, at codon 3697 of the NEB protein (p.Glu3697Asp). The frequency data for this variant in the population databases is considered unreliable, as metrics indicate poor data quality at this position in the gnomAD database. This variant has not been reported in the literature in individuals affected with NEB-related conditions. ClinVar contains an entry for this variant (Variation ID: 1445737). Algorithms developed to predict the effect of missense changes on protein structure and function are either unavailable or do not agree on the potential impact of this missense change (SIFT: "Deleterious"; PolyPhen-2: "Not Available"; Align-GVGD: "Class C0"). In summary, the available evidence is currently insufficient to determine the role of this variant in disease. Therefore, it has been classified as a Variant of Uncertain Significance.

NM_001164508.2(NEB):c.11091A>C (p.Glu3697Asp)

Gene: NEB (nebulin; minus strand). Cytogenetic location: 2q23.3.
Variant type: single nucleotide variant.
Coding change: c.11091A>C on transcript NM_001164508.2 (MANE Select); coding-DNA position 11091, A replaced by C.
Protein change: p.Glu3697Asp; replaces glutamic acid 3697 with aspartic acid.
Molecular consequence: missense variant.
Genome position (GRCh38, 1-based): chr2:151,617,454, T>G on the plus strand (A>C on the coding strand, the complement: NEB is on the minus strand). VCF-style: chr2-151617454-T-G. GRCh37 (hg19) VCF-style: chr2-152473968-T-G.
Other names: p.Glu3697Asp; c.10362A>C (NM_004543.4); c.11091A>C, p.Glu3697Asp (NM_001164507.2, NM_001271208.2); c.10362A>C, p.Glu3454Asp (NM_004543.5); short protein forms E3454D, E3697D.
Identifiers: ClinVar variation 1445737 (VCV001445737.7), dbSNP rs1470685965, ClinGen allele CA348785242.